The following is an entry in ClinVar:

ClinVar aggregate classification (germline): Uncertain significance. Review status: criteria provided, multiple submitters, no conflicts (2 of 4 stars). 3 submissions from 3 submitters: Uncertain significance (2). 1 of the submissions does not count toward it. Last evaluated 2023-12-02.

Conditions:
Scapulohumeral muscular dystrophy. Identifiers: Orphanet 269, MedGen C0410192, MONDO:0010884, OMIM 600416, HP:0008970.
Facioscapulohumeral muscular dystrophy 2 (FSHD2). Also called: FACIOSCAPULOHUMERAL MUSCULAR DYSTROPHY 2, DIGENIC; FSHD2, DIGENIC; MUSCULAR DYSTROPHY, FACIOSCAPULOHUMERAL, TYPE 1B. Identifiers: Orphanet 269, MedGen C1834671, MONDO:0008031, OMIM 158901.

Allele frequency attached by ClinVar (database versions not stated): gnomAD exomes below 0.00001.
gnomAD v4.1: 8 of 1,613,890 alleles (0.0005%); highest among the groups gnomAD compares: Non-Finnish European, 0.00042%; no homozygotes.

Submissions (3):

Labcorp Genetics (formerly Invitae), Labcorp
Classification: Uncertain significance for Facioscapulohumeral muscular dystrophy 2. Last evaluated: 2023-12-02. Review status: criteria provided, single submitter. Criteria: Invitae Variant Classification Sherloc (09022015). Collection method: clinical testing. Allele origin: germline.
Comment: This sequence change replaces isoleucine, which is neutral and non-polar, with valine, which is neutral and non-polar, at codon 232 of the SMCHD1 protein (p.Ile232Val). This variant is not present in population databases (gnomAD no frequency). This variant has not been reported in the literature in individuals affected with SMCHD1-related conditions. ClinVar contains an entry for this variant (Variation ID: 560357). Advanced modeling of protein sequence and biophysical properties (such as structural, functional, and spatial information, amino acid conservation, physicochemical variation, residue mobility, and thermodynamic stability) performed at Invitae indicates that this missense variant is expected to disrupt SMCHD1 protein function with a positive predictive value of 80%. In summary, the available evidence is currently insufficient to determine the role of this variant in disease. Therefore, it has been classified as a Variant of Uncertain Significance.

MGZ Medical Genetics Center
Classification: Uncertain significance for Facioscapulohumeral muscular dystrophy 2. Last evaluated: 2021-08-25. Review status: criteria provided, single submitter. Criteria: ACMG Guidelines, 2015. Collection method: clinical testing. Allele origin: germline. Affected: yes. Observed: 1 variant allele.
Comment: ACMG criteria applied: PM2_SUP, PP3

Institute of Human Genetics, University of Wuerzburg
Classification: Uncertain significance for Scapulohumeral muscular dystrophy. Review status: no assertion criteria provided. Collection method: clinical testing. Allele origin: unknown. Not counted in ClinVar's aggregate classification.

NM_015295.3(SMCHD1):c.694A>G (p.Ile232Val)

Gene: SMCHD1 (structural maintenance of chromosomes flexible hinge domain containing 1; plus strand). Cytogenetic location: 18p11.32.
Variant type: single nucleotide variant.
Coding change: c.694A>G on transcript NM_015295.3 (MANE Select); coding-DNA position 694, A replaced by G.
Protein change: p.Ile232Val; replaces isoleucine 232 with valine.
Molecular consequence: missense variant.
Genome position (GRCh38, 1-based): chr18:2,688,449, A>G. VCF-style: chr18-2688449-A-G. GRCh37 (hg19) VCF-style: chr18-2688447-A-G.
Other names: short protein forms I232V.
Identifiers: ClinVar variation 560357 (VCV000560357.10), dbSNP rs1568143698, ClinGen allele CA401693023.